The following is an entry in ClinVar:

NM_012414.4(RAB3GAP2):c.2628G>A (p.Trp876Ter)

Gene: RAB3GAP2 (RAB3 GTPase activating non-catalytic protein subunit 2; minus strand). Cytogenetic location: 1q41.
Variant type: single nucleotide variant.
Coding change: c.2628G>A on transcript NM_012414.4 (MANE Select); coding-DNA position 2628, G replaced by A.
Protein change: p.Trp876Ter; replaces tryptophan 876 with a stop codon.
Molecular consequence: nonsense.
Genome position (GRCh38, 1-based): chr1:220,171,070, C>T on the plus strand (G>A on the coding strand, the complement: RAB3GAP2 is on the minus strand). VCF-style: chr1-220171070-C-T. GRCh37 (hg19) VCF-style: chr1-220344412-C-T.
Other names: short protein forms W876*.
Identifiers: ClinVar variation 4082910 (VCV004082910.1).

ClinVar aggregate classification (germline): Likely pathogenic (1 of 4 stars; one submission).

Submission:

GeneDx
Classification: Likely pathogenic. Last evaluated: 2025-03-03. Review status: criteria provided, single submitter. Criteria: GeneDx Variant Classification Process June 2021. Collection method: clinical testing. Allele origin: germline. Affected: yes.
Comment: Nonsense variant predicted to result in protein truncation or nonsense mediated decay in a gene for which loss of function is a known mechanism of disease; Not observed at significant frequency in large population cohorts (gnomAD); Has not been previously published as pathogenic or benign to our knowledge